The following is an entry in ClinVar:

NM_003002.4(SDHD):c.284T>C (p.Leu95Pro)

Gene: SDHD (succinate dehydrogenase complex subunit D; plus strand). Cytogenetic location: 11q23.1.
Variant type: single nucleotide variant.
Coding change: c.284T>C on transcript NM_003002.4 (MANE Select); coding-DNA position 284, T replaced by C.
Protein change: p.Leu95Pro; replaces leucine 95 with proline.
Molecular consequence: missense variant. On other transcripts: non-coding transcript variant (1), intron variant (1).
Genome position (GRCh38, 1-based): chr11:112,088,981, T>C. VCF-style: chr11-112088981-T-C. GRCh37 (hg19) VCF-style: chr11-111959705-T-C.
Other names: c.167T>C, p.Leu56Pro (NM_001276504.2); c.284T>C, p.Leu95Pro (NM_001276506.2); c.169+1008T>C (NM_001276503.2); short protein forms L95P, L56P.
Identifiers: ClinVar variation 21351 (VCV000021351.9), dbSNP rs80338846, ClinGen allele CA016647.

ClinVar aggregate classification (germline): Pathogenic/Likely pathogenic. Review status: criteria provided, multiple submitters, no conflicts (2 of 4 stars). 5 submissions from 5 submitters: Pathogenic (1); Likely pathogenic (1). 3 of the submissions do not count toward it. Last evaluated 2025-10-14.

Conditions:
Hereditary cancer-predisposing syndrome. Also called: Tumor predisposition; Hereditary neoplastic syndrome; Hereditary Cancer Syndrome; Neoplastic Syndromes, Hereditary. Identifiers: Orphanet 140162, MedGen C0027672, MeSH D009386, MONDO:0015356.
Hereditary pheochromocytoma and paraganglioma. Also called: Hereditary paragangliomas and pheochromocytomas; Hereditary pheochromocytoma-paraganglioma; Hereditary Paraganglioma-Pheochromocytoma Syndromes. Identifiers: Orphanet 29072, MedGen C4274332, MONDO:0017366.
Pheochromocytoma/paraganglioma syndrome 1. Also called: Paraganglioma - glomus jugulare; PARAGANGLIOMATA; PARAGANGLIOMAS, FAMILIAL NONCHROMAFFIN, 1; PGL 1; Paragangliomas familial 1; Paragangliomas 1. Identifiers: Orphanet 29072, MedGen C3494181, MONDO:0008192, OMIM 168000.

Submissions (5):

Institute for Genomic Medicine (IGM) Clinical Laboratory, Nationwide Children's Hospital
Classification: Likely pathogenic for Pheochromocytoma/paraganglioma syndrome 1. Last evaluated: 2025-10-14. Review status: criteria provided, single submitter. Criteria: ACMG Guidelines, 2015. Collection method: clinical testing. Allele origin: germline.
Comment: This variant has been reported at an elevated frequency in affected individuals/in multiple affected individuals in the literature (ACMG/AMP: PS4; PMIDs:11391798, 12114404, 12218630, 21348866, 23586964, 30050099, 31194241). This variant is absent from or present at an exceedingly low frequency in gnomAD, a large-scale control population database (ACMG/AMP: PM2). This variant is predicted to alter protein function or structure, or disrupt splicing by multiple in silico tools (ACMG/AMP: PP3).

Ambry Genetics
Classification: Pathogenic for Hereditary cancer-predisposing syndrome. Last evaluated: 2022-08-19. Review status: criteria provided, single submitter. Criteria: Ambry Variant Classification Scheme 2023. Collection method: clinical testing. Allele origin: germline.
Comment: The p.L95P pathogenic mutation (also known as c.284T>C), located in coding exon 3 of the SDHD gene, results from a T to C substitution at nucleotide position 284. The leucine at codon 95 is replaced by proline, an amino acid with similar properties. This alteration has been described as a Dutch founder mutation and has been identified in multiple patients and families with paragangliomas/pheochromocytomas, and was shown to segregate with disease in at least two families (Taschner PE et al. Genes Chromosomes Cancer, 2001 Jul;31:274-81; Cremers CW et al. Otol. Neurotol., 2002 Sep;23:755-9; Hensen EF et al. Clin. Genet., 2012 Mar;81:284-8; van Hulsteijn LT et al. Clin. Endocrinol. (Oxf), 2013 Dec;79:824-31; Bayley JP et al. BMC Med. Genet., 2014 Oct;15:111; Heesterman BL et al. Eur J Hum Genet, 2018 09;26:1339-1347; Richter S et al. Genet Med, 2019 03;21:705-717; Dreijerink KMA et al. J Clin Endocrinol Metab, 2019 11;104:5421-5426). This amino acid position is highly conserved in available vertebrate species. In addition, this alteration is predicted to be deleterious by in silico analysis. Based on the supporting evidence, this alteration is interpreted as a disease-causing mutation.

GeneReviews
No classification provided. Condition: Hereditary pheochromocytoma and paraganglioma. Review status: no classification provided. Collection method: literature only. Allele origin: unknown. Not counted in ClinVar's aggregate classification.

Genome Diagnostics Laboratory, University Medical Center Utrecht
Classification: Pathogenic. Review status: no assertion criteria provided. Collection method: clinical testing. Allele origin: germline. Affected: yes. Study: VKGL Data-share Consensus. Not counted in ClinVar's aggregate classification.

Joint Genome Diagnostic Labs from Nijmegen and Maastricht, Radboudumc and MUMC+
Classification: Pathogenic. Review status: no assertion criteria provided. Collection method: clinical testing. Allele origin: germline. Affected: yes. Study: VKGL Data-share Consensus. Not counted in ClinVar's aggregate classification.

Literature cited by the submitters: PubMed 11391798 (cited by 3 submitters); PubMed 12114404 (cited by Institute for Genomic Medicine (IGM) Clinical Laboratory, Nationwide Children's Hospital and GeneReviews); PubMed 12218630 (cited by Institute for Genomic Medicine (IGM) Clinical Laboratory, Nationwide Children's Hospital and Ambry Genetics); PubMed 21348866 (cited by Institute for Genomic Medicine (IGM) Clinical Laboratory, Nationwide Children's Hospital and Ambry Genetics); PubMed 23586964 (cited by Institute for Genomic Medicine (IGM) Clinical Laboratory, Nationwide Children's Hospital and Ambry Genetics); PubMed 30050099 (cited by Institute for Genomic Medicine (IGM) Clinical Laboratory, Nationwide Children's Hospital and Ambry Genetics); PubMed 31194241 (cited by Institute for Genomic Medicine (IGM) Clinical Laboratory, Nationwide Children's Hospital and Ambry Genetics); PubMed 25300370 (cited by Ambry Genetics); PubMed 25758995 (cited by Ambry Genetics); PubMed 29777207 (cited by Ambry Genetics); PubMed 20301715 (cited by GeneReviews); NCBI Bookshelf NBK1548 (cited by GeneReviews).